The following is an entry in ClinVar:

ClinVar aggregate classification (germline): Uncertain significance. Review status: criteria provided, multiple submitters, no conflicts (2 of 4 stars). 5 submissions from 5 submitters: Uncertain significance (4). 1 of the submissions does not count toward it. Last evaluated 2025-05-13.

Conditions:
Fanconi anemia (FA). Also called: Fanconi's anemia. Identifiers: Orphanet 84, MedGen C0015625, MeSH D005199, MONDO:0019391.
Fanconi anemia complementation group A (FANCA). Also called: FANCA-Related Fanconi Anemia; Fanconi anemia, group A. Identifiers: Orphanet 84, MedGen C3469521, MONDO:0009215, OMIM 227650.
Inborn genetic diseases. Identifiers: MedGen C0950123, MeSH D030342.

Allele frequency attached by ClinVar (database versions not stated): gnomAD exomes below 0.00001 and 0.00002; ExAC 0.00001.
gnomAD v4.1: 6 of 1,614,162 alleles (0.00037%); highest among the groups gnomAD compares: South Asian, 0.0044%; no homozygotes.

Submissions (5):

Revvity Omics, Revvity
Classification: Uncertain significance for Fanconi anemia complementation group A. Last evaluated: 2025-05-13. Review status: criteria provided, single submitter. Criteria: ACMG Guidelines, 2015. Collection method: clinical testing. Allele origin: germline.

Ambry Genetics
Classification: Uncertain significance for Inborn genetic diseases. Last evaluated: 2025-04-05. Review status: criteria provided, single submitter. Criteria: Ambry Variant Classification Scheme 2023. Collection method: clinical testing. Allele origin: germline.
Comment: The p.A1347V variant (also known as c.4040C>T), located in coding exon 41 of the FANCA gene, results from a C to T substitution at nucleotide position 4040. The alanine at codon 1347 is replaced by valine, an amino acid with similar properties. This amino acid position is conserved. In addition, this alteration is predicted to be tolerated by in silico analysis. Based on the available evidence, the clinical significance of this variant remains unclear.

Fulgent Genetics
Classification: Uncertain significance for Fanconi anemia complementation group A. Last evaluated: 2024-05-04. Review status: criteria provided, single submitter. Criteria: ACMG Guidelines, 2015. Collection method: clinical testing. Allele origin: germline.

Labcorp Genetics (formerly Invitae), Labcorp
Classification: Uncertain significance for Fanconi anemia. Last evaluated: 2021-08-13. Review status: criteria provided, single submitter. Criteria: Invitae Variant Classification Sherloc (09022015). Collection method: clinical testing. Allele origin: germline.
Comment: This sequence change replaces alanine with valine at codon 1347 of the FANCA protein (p.Ala1347Val). The alanine residue is weakly conserved and there is a small physicochemical difference between alanine and valine. This variant is present in population databases (rs766710139, ExAC 0.006%). This variant has not been reported in the literature in individuals affected with FANCA-related conditions. Algorithms developed to predict the effect of missense changes on protein structure and function output the following: SIFT: "Tolerated"; PolyPhen-2: "Possibly Damaging"; Align-GVGD: "Class C0". The valine amino acid residue is found in multiple mammalian species, which suggests that this missense change does not adversely affect protein function. In summary, the available evidence is currently insufficient to determine the role of this variant in disease. Therefore, it has been classified as a Variant of Uncertain Significance.

Natera, Inc.
Classification: Uncertain significance for Fanconi anemia. Last evaluated: 2021-09-13. Review status: no assertion criteria provided. Collection method: clinical testing. Allele origin: germline. Not counted in ClinVar's aggregate classification.

NM_000135.4(FANCA):c.4040C>T (p.Ala1347Val)

Genes: ZNF276 (zinc finger protein 276; plus strand), FANCA (FA complementation group A; minus strand). Cytogenetic location: 16q24.3.
Variant type: single nucleotide variant.
Coding change: c.4040C>T on transcript NM_000135.4 (MANE Select); coding-DNA position 4040, C replaced by T.
Protein change: p.Ala1347Val; replaces alanine 1347 with valine.
Molecular consequence: missense variant. On other transcripts: 3 prime UTR variant (2), non-coding transcript variant (4).
Genome position (GRCh38, 1-based): chr16:89,739,260, G>A on the plus strand (C>T on the coding strand, the complement: FANCA is on the minus strand). VCF-style: chr16-89739260-G-A. GRCh37 (hg19) VCF-style: chr16-89805668-G-A.
Other names: c.4040C>T, p.Ala1347Val (NM_001286167.3); c.*1014G>A (NM_001113525.2, NM_152287.4); short protein forms A1347V.
Identifiers: ClinVar variation 835678 (VCV000835678.13), dbSNP rs766710139, ClinGen allele CA8250802.